The following is an entry in ClinVar:

NM_001023570.4(IQCB1):c.245A>G (p.Gln82Arg)

Gene: IQCB1 (IQ motif containing B1; minus strand). Cytogenetic location: 3q13.33.
Variant type: single nucleotide variant.
Coding change: c.245A>G on transcript NM_001023570.4 (MANE Select); coding-DNA position 245, A replaced by G.
Protein change: p.Gln82Arg; replaces glutamine 82 with arginine.
Molecular consequence: missense variant. On other transcripts: non-coding transcript variant (1).
Genome position (GRCh38, 1-based): chr3:121,828,488, T>C on the plus strand (A>G on the coding strand, the complement: IQCB1 is on the minus strand). VCF-style: chr3-121828488-T-C. GRCh37 (hg19) VCF-style: chr3-121547335-T-C.
Other names: c.245A>G, p.Gln82Arg (NM_001023571.4, NM_001319107.2); short protein forms Q82R.
Identifiers: ClinVar variation 971516 (VCV000971516.7), dbSNP rs373644565, ClinGen allele CA2567491.

ClinVar aggregate classification (germline): Uncertain significance (1 of 4 stars; one submission).

Conditions:
Nephronophthisis. Also called: Juvenile Nephronophthisis. Identifiers: Orphanet 655, MedGen C0687120, MONDO:0019005, HP:0000090.

Allele frequency attached by ClinVar (database versions not stated): gnomAD exomes below 0.00001 and 0.00002; ExAC 0.00001; gnomAD 0.00005 and 0.00006; TOPMed 0.00005; ESP Exome Variant Server 0.00015.
gnomAD v4.1: 14 of 1,612,988 alleles (0.00087%); highest among the groups gnomAD compares: African/African-American, 0.015%; no homozygotes.

Submission:

Labcorp Genetics (formerly Invitae), Labcorp
Classification: Uncertain significance for Nephronophthisis. Last evaluated: 2022-06-13. Review status: criteria provided, single submitter. Criteria: Invitae Variant Classification Sherloc (09022015). Collection method: clinical testing. Allele origin: germline.
Comment: This sequence change replaces glutamine, which is neutral and polar, with arginine, which is basic and polar, at codon 82 of the IQCB1 protein (p.Gln82Arg). This variant is present in population databases (rs373644565, gnomAD 0.02%). This variant has not been reported in the literature in individuals affected with IQCB1-related conditions. ClinVar contains an entry for this variant (Variation ID: 971516). Algorithms developed to predict the effect of missense changes on protein structure and function are either unavailable or do not agree on the potential impact of this missense change (SIFT: "Deleterious"; PolyPhen-2: "Possibly Damaging"; Align-GVGD: "Class C0"). In summary, the available evidence is currently insufficient to determine the role of this variant in disease. Therefore, it has been classified as a Variant of Uncertain Significance.